The following is an entry in ClinVar:

NM_002439.5(MSH3):c.2170G>A (p.Asp724Asn)

Gene: MSH3 (mutS homolog 3; plus strand). Cytogenetic location: 5q14.1.
Variant type: single nucleotide variant.
Coding change: c.2170G>A on transcript NM_002439.5 (MANE Select); coding-DNA position 2170, G replaced by A.
Protein change: p.Asp724Asn; replaces aspartic acid 724 with asparagine.
Molecular consequence: missense variant.
Genome position (GRCh38, 1-based): chr5:80,768,920, G>A. VCF-style: chr5-80768920-G-A. GRCh37 (hg19) VCF-style: chr5-80064739-G-A.
Other names: short protein forms D724N.
Identifiers: ClinVar variation 2813693 (VCV002813693.3), dbSNP rs753738812, ClinGen allele CA360279491.
Genomic context (GRCh38, chr5:80,768,920, plus strand): 5'-AAAGACCTTTCTGACTTCCCTTTAATAAAAAAGAGGAAGGATGAAATTCAAGGTGTTATT[G>A]ACGAGATCCGAATGCATTTGCAAGAAATACGAAAAATACTAAAAAATCCTTCTGCACAAT-3'
Protein context (NP_002430.3, residues 714-734): KRKDEIQGVI[Asp724Asn]EIRMHLQEIR

ClinVar aggregate classification (germline): Uncertain significance (1 of 4 stars; one submission).

Submission:

Labcorp Genetics (formerly Invitae), Labcorp
Classification: Uncertain significance. Last evaluated: 2022-11-11. Review status: criteria provided, single submitter. Criteria: Invitae Variant Classification Sherloc (09022015). Collection method: clinical testing. Allele origin: germline.
Comment: This sequence change replaces aspartic acid, which is acidic and polar, with asparagine, which is neutral and polar, at codon 724 of the MSH3 protein (p.Asp724Asn). This variant is not present in population databases (gnomAD no frequency). This variant has not been reported in the literature in individuals affected with MSH3-related conditions. Algorithms developed to predict the effect of missense changes on protein structure and function output the following: SIFT: "Tolerated"; PolyPhen-2: "Benign"; Align-GVGD: "Class C0". The asparagine amino acid residue is found in multiple mammalian species, which suggests that this missense change does not adversely affect protein function. In summary, the available evidence is currently insufficient to determine the role of this variant in disease. Therefore, it has been classified as a Variant of Uncertain Significance.